The following is an entry in ClinVar:

NM_001378454.1(ALMS1):c.4914_4917del (p.Asn1638fs)

Gene: ALMS1 (ALMS1 centrosome and basal body associated protein; plus strand). Cytogenetic location: 2p13.1.
Variant type: Microsatellite.
Coding change: c.4914_4917del on transcript NM_001378454.1 (MANE Select); coding-DNA positions 4914 to 4917, 4 bases deleted (TAAA; older notation c.4914_4917delTAAA).
Protein change: p.Asn1638fs; shifts the reading frame from asparagine 1638.
Molecular consequence: frameshift variant.
Genome position (GRCh38, 1-based): chr2:73,451,441-73,451,444, TAAA deleted; deleting any 4 consecutive bases within chr2:73,451,437-73,451,444 gives the same sequence; the c. name uses the placement nearest the transcript's 3' end. VCF-style (leftmost placement, unchanged base first): chr2-73451436-CTAAA-C. GRCh37 (hg19) VCF-style: chr2-73678563-CTAAA-C.
Other names: c.4917_4920delTAAA (NM_015120.4); c.4911_4914del (NM_001378454.1); c.4917_4920del, p.Asn1639fs (NM_015120.4); short protein forms N1639fs, N1638fs.
Identifiers: ClinVar variation 550038 (VCV000550038.12), dbSNP rs779366889, ClinGen allele CA1713787.
Genomic context (GRCh38, chr2:73,451,436, plus strand): 5'-TCCAGTGCACTTGGAGAGAAGCCCATTACTTTCTACCGGCAGGCTCTGCTAGACAGTCCT[CTAAA>C]TAAAGAGGTTGTGAAAGTTTCAGCTGCTCCTGGACCAGCTGACCAGAAGACTGAGACATT-3'

ClinVar aggregate classification (germline): Pathogenic. Review status: criteria provided, multiple submitters, no conflicts (2 of 4 stars). 5 submissions from 5 submitters: Pathogenic (4). 1 of the submissions does not count toward it. Last evaluated 2025-03-14.

Conditions:
Alstrom syndrome (ALMS). Identifiers: Orphanet 64, MedGen C0268425, MONDO:0008763, OMIM 203800.

Submissions (5):

Natera, Inc.
Classification: Pathogenic for Alstrom syndrome. Last evaluated: 2025-03-14. Review status: criteria provided, single submitter. Criteria: Natera Variant Classification Schema (03/2026). Collection method: clinical testing. Allele origin: germline.
Comment: The c.4917_4920delTAAA variant in ALMS1 is a frameshift variant predicted to shift the reading frame beginning at codon 1639 and leads to a stop codon 4 codons downstream. This variant is expected to result in nonsense mediated decay, truncation, or a dysfunctional protein product. This variant is rare in the general population with a frequency below the threshold expected for the associated phenotype(s). This variant has been observed in one or more individuals affected with the associated recessive disease, as either homozygous or compound heterozygous with a second variant (PMID: 31755649). Given the available evidence, this variant is classified as Pathogenic.

GeneDx
Classification: Pathogenic. Last evaluated: 2024-07-07. Review status: criteria provided, single submitter. Criteria: GeneDx Variant Classification Process June 2021. Collection method: clinical testing. Allele origin: germline. Affected: yes.
Comment: Frameshift variant predicted to result in protein truncation or nonsense mediated decay in a gene for which loss of function is a known mechanism of disease; This variant is associated with the following publications: (PMID: 25846608, 17594715, 26010121, 35211159, 26992781, 31755649, 28112973)

Labcorp Genetics (formerly Invitae), Labcorp
Classification: Pathogenic for Alstrom syndrome. Last evaluated: 2024-01-30. Review status: criteria provided, single submitter. Criteria: Invitae Variant Classification Sherloc (09022015). Collection method: clinical testing. Allele origin: germline.
Comment: This sequence change creates a premature translational stop signal (p.Asn1639Lysfs*4) in the ALMS1 gene. It is expected to result in an absent or disrupted protein product. Loss-of-function variants in ALMS1 are known to be pathogenic (PMID: 17594715). This variant is present in population databases (rs779366889, gnomAD 0.03%). This premature translational stop signal has been observed in individual(s) with Alstrom syndrome and/or cone-rod dystrophy (PMID: 25846608, 26992781). ClinVar contains an entry for this variant (Variation ID: 550038). For these reasons, this variant has been classified as Pathogenic.

3billion
Classification: Pathogenic for Alstrom syndrome. Last evaluated: 2022-09-01. Review status: criteria provided, single submitter. Criteria: ACMG Guidelines, 2015. Collection method: clinical testing. Allele origin: germline. Affected: yes. Observed: 1 heterozygote.
Comment: The variant is observed at an extremely low frequency in the gnomAD v2.1.1 dataset (total allele frequency: 0.002%). Frameshift variant is predicted to result in a loss or disruption of normal protein function through nonsense-mediated decay (NMD) or protein truncation. Multiple pathogenic variants are reported downstream of the variant. The variant was found to in trans with other pathogenic variant (3billion dataset). The variant has been reported at least twice as pathogenic with clinical assertions and evidence for the classification (ClinVar ID: VCV000550038 / PMID: 25846608). Therefore, this variant is classified as Pathogenic according to the recommendation of ACMG/AMP guideline.

Counsyl
Classification: Pathogenic for Alstrom syndrome. Last evaluated: 2017-03-22. Review status: no assertion criteria provided. Collection method: clinical testing. Allele origin: unknown. Not counted in ClinVar's aggregate classification.

Literature cited by the submitters: PubMed 31755649 (cited by Natera, Inc.); PubMed 17594715 (cited by Labcorp Genetics (formerly Invitae), Labcorp); PubMed 25846608 (cited by 3 submitters); PubMed 26992781 (cited by Labcorp Genetics (formerly Invitae), Labcorp); PubMed 26010121 (cited by Counsyl).